The following is an entry in ClinVar:

ClinVar aggregate classification (germline): Likely benign (0 of 4 stars; one submission).

Conditions:
SIN3A-related disorder. Also called: SIN3A-related condition.

Allele frequency attached by ClinVar (database versions not stated): gnomAD 0.00001; ExAC 0.00002.
gnomAD v4.1: 11 of 1,613,620 alleles (0.00068%); highest among the groups gnomAD compares: South Asian, 0.0099%; no homozygotes.

Submission:

PreventionGenetics, part of Exact Sciences
Classification: Likely benign for SIN3A-related condition. Last evaluated: 2019-04-26. Review status: no assertion criteria provided. Collection method: clinical testing. Allele origin: germline.
Comment: This variant is classified as likely benign based on ACMG/AMP sequence variant interpretation guidelines (Richards et al. 2015 PMID: 25741868, with internal and published modifications).

NM_001145358.2(SIN3A):c.3363G>A (p.Gln1121=)

Gene: SIN3A (SIN3 transcription regulator family member A; minus strand). Cytogenetic location: 15q24.2.
Variant type: single nucleotide variant.
Coding change: c.3363G>A on transcript NM_001145358.2 (MANE Select); coding-DNA position 3363, G replaced by A.
Protein change: p.Gln1121=; no amino-acid change (glutamine 1121 retained).
Molecular consequence: synonymous variant.
Genome position (GRCh38, 1-based): chr15:75,380,649, C>T on the plus strand (G>A on the coding strand, the complement: SIN3A is on the minus strand). VCF-style: chr15-75380649-C-T. GRCh37 (hg19) VCF-style: chr15-75672990-C-T.
Other names: c.3363G>A, p.Gln1121= (NM_001145357.2, NM_015477.3).
Identifiers: ClinVar variation 3046872 (VCV003046872.2), dbSNP rs561368760, ClinGen allele CA7667266.